The following is an entry in ClinVar:

ClinVar aggregate classification (germline): Uncertain significance (1 of 4 stars; one submission).

Submission:

Ambry Genetics
Classification: Uncertain significance. Last evaluated: 2025-10-11. Review status: criteria provided, single submitter. Criteria: Ambry Variant Classification Scheme 2023. Collection method: clinical testing. Allele origin: germline.
Comment: The p.Q1585R variant (also known as c.4754A>G), located in coding exon 36 of the MYOM1 gene, results from an A to G substitution at nucleotide position 4754. The glutamine at codon 1585 is replaced by arginine, an amino acid with highly similar properties. This amino acid position is conserved. In addition, this alteration is predicted to be deleterious by in silico analysis. Based on the available evidence, the clinical significance of this variant remains unclear.

NM_003803.4(MYOM1):c.4754A>G (p.Gln1585Arg)

Gene: MYOM1 (myomesin 1; minus strand). Cytogenetic location: 18p11.31.
Variant type: single nucleotide variant.
Coding change: c.4754A>G on transcript NM_003803.4 (MANE Select); coding-DNA position 4754, A replaced by G.
Protein change: p.Gln1585Arg; replaces glutamine 1585 with arginine.
Molecular consequence: missense variant.
Genome position (GRCh38, 1-based): chr18:3,071,844, T>C on the plus strand (A>G on the coding strand, the complement: MYOM1 is on the minus strand). VCF-style: chr18-3071844-T-C. GRCh37 (hg19) VCF-style: chr18-3071842-T-C.
Other names: c.4466A>G, p.Gln1489Arg (NM_019856.2); short protein forms Q1489R, Q1585R.
Identifiers: ClinVar variation 4555379 (VCV004555379.1).